The following is an entry in ClinVar:

NM_152743.4(BRAT1):c.730G>A (p.Val244Met)

Gene: BRAT1 (BRCA1 associated ATM activator 1; minus strand). Cytogenetic location: 7p22.3.
Variant type: single nucleotide variant.
Coding change: c.730G>A on transcript NM_152743.4 (MANE Select); coding-DNA position 730, G replaced by A.
Protein change: p.Val244Met; replaces valine 244 with methionine.
Molecular consequence: missense variant. On other transcripts: non-coding transcript variant (1).
Genome position (GRCh38, 1-based): chr7:2,543,663, C>T on the plus strand (G>A on the coding strand, the complement: BRAT1 is on the minus strand). VCF-style: chr7-2543663-C-T. GRCh37 (hg19) VCF-style: chr7-2583297-C-T.
Other names: c.730G>A, p.Val244Met (NM_001350626.2); c.205G>A, p.Val69Met (NM_001350627.2); short protein forms V244M, V69M.
Identifiers: ClinVar variation 540152 (VCV000540152.11), dbSNP rs199801652, ClinGen allele CA4128114.

ClinVar aggregate classification (germline): Uncertain significance. Review status: criteria provided, multiple submitters, no conflicts (2 of 4 stars). 3 submissions from 3 submitters: Uncertain significance (3). Last evaluated 2025-02-05.

Conditions:
Neonatal-onset encephalopathy with rigidity and seizures. Also called: Lethal neonatal spasticity-epileptic encephalopathy syndrome. Identifiers: Orphanet 435845, MedGen C3281029, MONDO:0013784, OMIM 614498.

Allele frequency attached by ClinVar (database versions not stated): TOPMed 0.00002; 1000 Genomes Project 30x 0.00016; 1000 Genomes Project 0.00020.

Submissions (3):

GeneDx
Classification: Uncertain significance. Last evaluated: 2025-02-05. Review status: criteria provided, single submitter. Criteria: GeneDx Variant Classification Process June 2021. Collection method: clinical testing. Allele origin: germline. Affected: yes.
Comment: Not observed at significant frequency in large population cohorts (gnomAD); In silico analysis indicates that this missense variant does not alter protein structure/function; Has not been previously published as pathogenic or benign to our knowledge

Labcorp Genetics (formerly Invitae), Labcorp
Classification: Uncertain significance for Neonatal-onset encephalopathy with rigidity and seizures. Last evaluated: 2022-07-19. Review status: criteria provided, single submitter. Criteria: Invitae Variant Classification Sherloc (09022015). Collection method: clinical testing. Allele origin: germline.
Comment: This sequence change replaces valine, which is neutral and non-polar, with methionine, which is neutral and non-polar, at codon 244 of the BRAT1 protein (p.Val244Met). The frequency data for this variant in the population databases is considered unreliable, as metrics indicate poor data quality at this position in the gnomAD database. This variant has not been reported in the literature in individuals affected with BRAT1-related conditions. ClinVar contains an entry for this variant (Variation ID: 540152). Algorithms developed to predict the effect of missense changes on protein structure and function are either unavailable or do not agree on the potential impact of this missense change (SIFT: "Deleterious"; PolyPhen-2: "Probably Damaging"; Align-GVGD: "Class C0"). In summary, the available evidence is currently insufficient to determine the role of this variant in disease. Therefore, it has been classified as a Variant of Uncertain Significance.

Blueprint Genetics
Classification: Uncertain significance. Last evaluated: 2021-01-14. Review status: criteria provided, single submitter. Criteria: ACMG Guidelines, 2015. Collection method: clinical testing. Allele origin: germline.